The following is an entry in ClinVar:

NM_000565.4(IL6R):c.957G>A (p.Arg319=)

Gene: IL6R (interleukin 6 receptor; plus strand). Cytogenetic location: 1q21.3.
Variant type: single nucleotide variant.
Coding change: c.957G>A on transcript NM_000565.4 (MANE Select); coding-DNA position 957, G replaced by A.
Protein change: p.Arg319=; no amino-acid change (arginine 319 retained).
Molecular consequence: synonymous variant.
Genome position (GRCh38, 1-based): chr1:154,448,132, G>A. VCF-style: chr1-154448132-G-A. GRCh37 (hg19) VCF-style: chr1-154420608-G-A.
Other names: c.957G>A, p.Arg319= (NM_001382769.1, NM_181359.3); c.1050G>A, p.Arg350= (NM_001382770.1); c.1005G>A, p.Arg335= (NM_001382771.1, NM_001382773.1); c.951G>A, p.Arg317= (NM_001382772.1); c.597G>A, p.Arg199= (NM_001382774.1).
Identifiers: ClinVar variation 2639369 (VCV002639369.24), dbSNP rs866229887, ClinGen allele CA30807299.
Genomic context (GRCh38, chr1:154,448,132, plus strand): 5'-CAGGACTCCAGGGCCCATGAATCACTAATAATGAGCCTTTCTTCTGTCCGCAGAATCCAG[G>A]AGTCCTCCAGCTGAGAACGAGGTGTCCACCCCCATGCAGGTGAGCTCCTGTTCTTGTAAA-3'
Protein context (NP_000556.1, residues 309-329): EAMGTPWTES[Arg319=]SPPAENEVST

ClinVar aggregate classification (germline): Likely benign (1 of 4 stars; one submission).

gnomAD v4.1: 4 of 1,613,806 alleles (0.00025%); highest among the groups gnomAD compares: Middle Eastern, 0.067%; no homozygotes.

Submission:

CeGaT Center for Human Genetics Tuebingen
Classification: Likely benign. Last evaluated: 2022-08-01. Review status: criteria provided, single submitter. Criteria: CeGaT Center For Human Genetics Tuebingen Variant Classification Criteria Version 2. Collection method: clinical testing. Allele origin: germline. Affected: yes. Observed: 1 variant allele.
Comment: IL6R: PM2:Supporting, BP4, BP7